The following is an entry in ClinVar:

NM_001903.5(CTNNA1):c.1755A>C (p.Pro585=)

Gene: CTNNA1 (catenin alpha 1; plus strand). Cytogenetic location: 5q31.2.
Variant type: single nucleotide variant.
Coding change: c.1755A>C on transcript NM_001903.5 (MANE Select); coding-DNA position 1755, A replaced by C.
Protein change: p.Pro585=; no amino-acid change (proline 585 retained).
Molecular consequence: synonymous variant.
Genome position (GRCh38, 1-based): chr5:138,925,263, A>C. VCF-style: chr5-138925263-A-C. GRCh37 (hg19) VCF-style: chr5-138260952-A-C.
Other names: c.645A>C, p.Pro215= (NM_001323996.1, NM_001323997.1, NM_001323998.1 and 17 more transcripts); c.1755A>C, p.Pro585= (NM_001290307.3, NM_001323982.2, NM_001323983.1 and 2 more transcripts); c.1446A>C, p.Pro482= (NM_001290309.3); c.1386A>C, p.Pro462= (NM_001290310.3); c.1662A>C, p.Pro554= (NM_001323986.2); c.306A>C, p.Pro102= (NM_001324006.1, NM_001324007.1, NM_001324008.1 and 2 more transcripts); c.552A>C, p.Pro184= (NM_001324011.1); c.402A>C, p.Pro134= (NM_001324012.1, NM_001324013.1).
Identifiers: ClinVar variation 3498218 (VCV003498218.4).

ClinVar aggregate classification (germline): Benign/Likely benign. Review status: criteria provided, multiple submitters, no conflicts (2 of 4 stars). 3 submissions from 3 submitters: Benign (1); Likely benign (2). Last evaluated 2024-10-14.

Conditions:
Hereditary cancer-predisposing syndrome. Also called: Hereditary Cancer Syndrome; Hereditary neoplastic syndrome; Neoplastic Syndromes, Hereditary; Tumor predisposition. Identifiers: Orphanet 140162, MedGen C0027672, MeSH D009386, MONDO:0015356.
Hereditary diffuse gastric adenocarcinoma (HDGC). Also called: DIFFUSE GASTRIC AND LOBULAR BREAST CANCER SYNDROME. Identifiers: Orphanet 26106, MedGen C1708349, MONDO:0007648, OMIM 137215.

gnomAD v4.1: 1 of 1,613,892 alleles (0.000062%); highest among the groups gnomAD compares: South Asian, 0.0011%; no homozygotes.

Submissions (3):

Myriad Genetics, Inc.
Classification: Benign for Hereditary diffuse gastric adenocarcinoma. Last evaluated: 2024-10-14. Review status: criteria provided, single submitter. Criteria: Myriad Autosomal Dominant, Autosomal Recessive and X-Linked Classification Criteria (2023). Collection method: clinical testing. Allele origin: unknown.
Comment: This variant is considered benign. This variant is a silent/synonymous amino acid change and it is not expected to impact splicing.

Ambry Genetics
Classification: Likely benign for Hereditary cancer-predisposing syndrome. Last evaluated: 2024-08-07. Review status: criteria provided, single submitter. Criteria: Ambry Variant Classification Scheme 2023. Collection method: clinical testing. Allele origin: germline.

Labcorp Genetics (formerly Invitae), Labcorp
Classification: Likely benign. Last evaluated: 2024-07-30. Review status: criteria provided, single submitter. Criteria: Invitae Variant Classification Sherloc (09022015). Collection method: clinical testing. Allele origin: germline.